The following is an entry in ClinVar:

NM_000138.5(FBN1):c.1741A>G (p.Met581Val)

Gene: FBN1 (fibrillin 1; minus strand). Cytogenetic location: 15q21.1.
Variant type: single nucleotide variant.
Coding change: c.1741A>G on transcript NM_000138.5 (MANE Select); coding-DNA position 1741, A replaced by G.
Protein change: p.Met581Val; replaces methionine 581 with valine.
Molecular consequence: missense variant.
Genome position (GRCh38, 1-based): chr15:48,508,678, T>C on the plus strand (A>G on the coding strand, the complement: FBN1 is on the minus strand). VCF-style: chr15-48508678-T-C. GRCh37 (hg19) VCF-style: chr15-48800875-T-C.
Other names: c.1741A>G, p.Met581Val (NM_001406716.1); short protein forms M581V.
Identifiers: ClinVar variation 2097405 (VCV002097405.1), dbSNP rs2505602697, ClinGen allele CA392340584.

ClinVar aggregate classification (germline): Uncertain significance (1 of 4 stars; one submission).

Conditions:
Familial thoracic aortic aneurysm and aortic dissection (TAAD). Also called: Thoracic aortic aneurysms and dissections. Identifiers: Orphanet 91387, MedGen C4707243, MONDO:0019625.
Marfan syndrome (MFS). Also called: MARFAN SYNDROME, TYPE I; Marfan syndrome type 1; Marfan's syndrome; Marfan syndrome, classic; FBN1-Related Marfan Syndrome. Identifiers: Orphanet 284963, Orphanet 558, MedGen C0024796, MONDO:0007947, OMIM 154700.

Submission:

Labcorp Genetics (formerly Invitae), Labcorp
Classification: Uncertain significance for Marfan syndrome; Familial thoracic aortic aneurysm and aortic dissection. Last evaluated: 2022-06-28. Review status: criteria provided, single submitter. Criteria: Invitae Variant Classification Sherloc (09022015). Collection method: clinical testing. Allele origin: germline.
Comment: This sequence change replaces methionine, which is neutral and non-polar, with valine, which is neutral and non-polar, at codon 581 of the FBN1 protein (p.Met581Val). This variant is not present in population databases (gnomAD no frequency). This variant has not been reported in the literature in individuals affected with FBN1-related conditions. Algorithms developed to predict the effect of missense changes on protein structure and function (SIFT, PolyPhen-2, Align-GVGD) all suggest that this variant is likely to be tolerated. In summary, the available evidence is currently insufficient to determine the role of this variant in disease. Therefore, it has been classified as a Variant of Uncertain Significance.